The following is an entry in ClinVar:

ClinVar aggregate classification (germline): Likely pathogenic (1 of 4 stars; one submission).

Submission:

Labcorp Genetics (formerly Invitae), Labcorp
Classification: Likely pathogenic. Last evaluated: 2023-09-05. Review status: criteria provided, single submitter. Criteria: Invitae Variant Classification Sherloc (09022015). Collection method: clinical testing. Allele origin: germline.
Comment: In summary, the currently available evidence indicates that the variant is pathogenic, but additional data are needed to prove that conclusively. Therefore, this variant has been classified as Likely Pathogenic. This variant disrupts the p.Phe731 amino acid residue in PHEX. Other variant(s) that disrupt this residue have been observed in individuals with PHEX-related conditions (PMID: 9768674, 22713460), which suggests that this may be a clinically significant amino acid residue. Advanced modeling of protein sequence and biophysical properties (such as structural, functional, and spatial information, amino acid conservation, physicochemical variation, residue mobility, and thermodynamic stability) performed at Invitae indicates that this missense variant is expected to disrupt PHEX protein function. ClinVar contains an entry for this variant (Variation ID: 951425). This missense change has been observed in individual(s) with hypophosphatemia (Invitae). This variant is not present in population databases (gnomAD no frequency). This sequence change replaces phenylalanine, which is neutral and non-polar, with cysteine, which is neutral and slightly polar, at codon 731 of the PHEX protein (p.Phe731Cys).

Literature cited by the submitters: PubMed 9768674; PubMed 22713460.

NM_000444.6(PHEX):c.2192T>G (p.Phe731Cys)

Genes: PHEX (phosphate regulating endopeptidase X-linked; plus strand), PTCHD1-AS (PTCHD1 and PHEX antisense RNA; minus strand). Cytogenetic location: Xp22.11.
Variant type: single nucleotide variant.
Coding change: c.2192T>G on transcript NM_000444.6 (MANE Select); coding-DNA position 2192, T replaced by G.
Protein change: p.Phe731Cys; replaces phenylalanine 731 with cysteine.
Molecular consequence: missense variant. On other transcripts: 3 prime UTR variant (1).
Genome position (GRCh38, 1-based): chrX:22,247,895, T>G. VCF-style: chrX-22247895-T-G. GRCh37 (hg19) VCF-style: chrX-22266012-T-G.
Other names: c.*27T>G (NM_001282754.2); short protein forms F731C.
Identifiers: ClinVar variation 951425 (VCV000951425.9), dbSNP rs1936438347, ClinGen allele CA412575449.